The following is an entry in ClinVar:

NM_001366385.1(CARD14):c.349+5G>A

Gene: CARD14 (caspase recruitment domain family member 14; plus strand). Cytogenetic location: 17q25.3.
Variant type: single nucleotide variant.
Coding change: c.349+5G>A on transcript NM_001366385.1 (MANE Select); 5 bases into the intron after coding-DNA position 349, G replaced by A.
Molecular consequence: intron variant.
Genome position (GRCh38, 1-based): chr17:80,182,795, G>A. VCF-style: chr17-80182795-G-A. GRCh37 (hg19) VCF-style: chr17-78156594-G-A.
Other names: IVS3DS, G-A, +5; c.349+5G>A (NM_024110.4, LRG_1330t1, NM_001257970.1).
Identifiers: ClinVar variation 31607 (VCV000031607.3), dbSNP rs587777763, ClinGen allele CA129842.
Genomic context (GRCh38, chr17:80,182,795, plus strand): 5'-CGTCTACACCCTGGTCACCGGGCTGCAGCCTGATGTTGACTTCAGTAACTTTAGCGGTGA[G>A]AGCTCCGACTTTGACGGTTTGGCAGGCACTTCTAGGAACCTCAGGCTCCTGGTAACCCCA-3'

ClinVar aggregate classification (germline): Pathogenic. Review status: criteria provided, single submitter (1 of 4 stars). 2 submissions from 2 submitters: Pathogenic (1). 1 of the submissions does not count toward it. Last evaluated 2020-05-25.

Conditions:
Psoriasis 2. Identifiers: MedGen C1864497, MONDO:0011269, OMIM 602723.

Submissions (2):

Victorian Clinical Genetics Services, Murdoch Childrens Research Institute
Classification: Pathogenic for Psoriasis 2. Last evaluated: 2020-05-25. Review status: criteria provided, single submitter. Criteria: ACMG Guidelines, 2015. Collection method: clinical testing. Allele origin: germline. Inheritance: Autosomal dominant inheritance. Affected: yes.
Comment: Based on the classification scheme VCGS_Germline_v1.1.1, this variant is classified as pathogenic. Following criteria are met: 0101 - Gain-of-function is a known mechanism of disease for this gene. (N) 0107 - This gene is known to be associated with autosomal dominant disease. (N) 0210 - Splice site variant (non-canonical) proven to affect splicing of the transcript, resulting in the use of a cryptic splice site in intron 3 (PMID:22521418). (N) 0213 - In-frame insertion of 22 amino acids into the protein between exon 3 and exon 4. (P) 0251 - Variant is heterozygous. (N) 0301 - Variant is absent from gnomAD. (P) 0505 - Abnormal splicing is predicted by in silico tools and the affected nucleotide is highly conserved. (P) 0703 - Comparable variants (c.349+5G>C, c.349+1G>A, p.Gly117Ser) also functionally proven to impact splicing and cause the same in-frame intron retention, have moderate previous evidence for pathogenicity (ClinVar, PMID:22521418, PMID:29477734). (P) 0803 - Low previous evidence of pathogenicity in a single large family with psoriasis (ClinVar, PMID:22521418). (P) 0901 - Strong evidence for segregation with disease in a single very large family (PMID:22521418). (P) 1007 - No published functional evidence has been identified for this variant. (N) 1208 - Inheritance information for this variant is not currently available. (N) Legend: (P) - Pathogenic, (N) - Neutral, (B) - Benign

OMIM
Classification: Pathogenic for PSORIASIS 2. Last evaluated: 2012-05-04. Review status: no assertion criteria provided. Collection method: literature only. Allele origin: germline. Not counted in ClinVar's aggregate classification.

Literature cited by the submitters: PubMed 22521418 (cited by Victorian Clinical Genetics Services, Murdoch Childrens Research Institute and OMIM); PubMed 29477734 (cited by Victorian Clinical Genetics Services, Murdoch Childrens Research Institute); PubMed 15689454 (cited by OMIM); PubMed 18256691 (cited by OMIM).